The following is an entry in ClinVar:

NM_020638.3(FGF23):c.286A>G (p.Met96Val)

Gene: FGF23 (fibroblast growth factor 23; minus strand). Cytogenetic location: 12p13.32.
Variant type: single nucleotide variant.
Coding change: c.286A>G on transcript NM_020638.3 (MANE Select); coding-DNA position 286, A replaced by G.
Protein change: p.Met96Val; replaces methionine 96 with valine.
Molecular consequence: missense variant.
Genome position (GRCh38, 1-based): chr12:4,372,623, T>C on the plus strand (A>G on the coding strand, the complement: FGF23 is on the minus strand). VCF-style: chr12-4372623-T-C. GRCh37 (hg19) VCF-style: chr12-4481789-T-C.
Other names: short protein forms M96V.
Identifiers: ClinVar variation 1717933 (VCV001717933.5), dbSNP rs1235827893, ClinGen allele CA383416704.

ClinVar aggregate classification (germline): Uncertain significance (1 of 4 stars; one submission).

Allele frequency attached by ClinVar (database versions not stated): gnomAD exomes below 0.00001.
gnomAD v4.1: 2 of 1,612,178 alleles (0.00012%); highest among the groups gnomAD compares: East Asian, 0.0022%; no homozygotes.

Submission:

Labcorp Genetics (formerly Invitae), Labcorp
Classification: Uncertain significance. Last evaluated: 2022-09-22. Review status: criteria provided, single submitter. Criteria: Invitae Variant Classification Sherloc (09022015). Collection method: clinical testing. Allele origin: germline.
Comment: This variant is present in population databases (no rsID available, gnomAD 0.006%). In summary, the available evidence is currently insufficient to determine the role of this variant in disease. Therefore, it has been classified as a Variant of Uncertain Significance. Advanced modeling of protein sequence and biophysical properties (such as structural, functional, and spatial information, amino acid conservation, physicochemical variation, residue mobility, and thermodynamic stability) has been performed at Invitae for this missense variant, however the output from this modeling did not meet the statistical confidence thresholds required to predict the impact of this variant on FGF23 protein function. This variant has not been reported in the literature in individuals affected with FGF23-related conditions. This sequence change replaces methionine, which is neutral and non-polar, with valine, which is neutral and non-polar, at codon 96 of the FGF23 protein (p.Met96Val).